The following is an entry in ClinVar:

NM_000383.4(AIRE):c.510_522dup (p.Leu175fs)

Gene: AIRE (autoimmune regulator; plus strand). Cytogenetic location: 21q22.3.
Variant type: Duplication.
Coding change: c.510_522dup on transcript NM_000383.4 (MANE Select); coding-DNA positions 510 to 522, 13 bases duplicated (AGAGCAGCAGCGC).
Protein change: p.Leu175fs; shifts the reading frame from leucine 175.
Molecular consequence: frameshift variant.
Genome position (GRCh38, 1-based): chr21:44,287,563-44,287,575, AGAGCAGCAGCGC duplicated; duplicating any 13 consecutive bases within chr21:44,287,555-44,287,575 gives the same sequence; the c. name uses the placement nearest the transcript's 3' end. VCF-style (leftmost placement, unchanged base first): chr21-44287554-G-GAGCAGCGCAGAGC. GRCh37 (hg19) VCF-style: chr21-45707437-G-GAGCAGCGCAGAGC.
Other names: c.510_522dup (LRG_18t1); short protein forms L175fs.
Identifiers: ClinVar variation 424080 (VCV000424080.14), dbSNP rs940485051, ClinGen allele CA16621020.
Genomic context (GRCh38, chr21:44,287,554, plus strand): 5'-CTGCCCCCAGCTCCCCCATTCAGGCTCTCAACTGAAGGCCAAGCCCCCCAAGAAGCCGGA[G>GAGCAGCGCAGAGC]AGCAGCGCAGAGCAGCAGCGCCTTCCACTCGGGAACGGTGAGCGGGGCCCAGTGGGAGCG-3'

ClinVar aggregate classification (germline): Pathogenic/Likely pathogenic. Review status: criteria provided, multiple submitters, no conflicts (2 of 4 stars). 4 submissions from 4 submitters: Pathogenic (3); Likely pathogenic (1). Last evaluated 2024-12-27.

Conditions:
AIRE-related disorder. Also called: AIRE-related condition.
Polyglandular autoimmune syndrome, type 1 (APS1). Also called: AUTOIMMUNE POLYENDOCRINE SYNDROME, TYPE I, WITH OR WITHOUT REVERSIBLE METAPHYSEAL DYSPLASIA; APS I; Autoimmune polyendocrinopathy syndrome, type I; HYPOADRENOCORTICISM WITH HYPOPARATHYROIDISM AND SUPERFICIAL MONILIASIS; Autoimmune polyendocrinopathy syndrome , type I, with or without reversible metaphyseal dysplasia; PGA I. Identifiers: Orphanet 3453, MedGen C0085859, MONDO:0009411, OMIM 240300.

Submissions (4):

Labcorp Genetics (formerly Invitae), Labcorp
Classification: Pathogenic for Polyglandular autoimmune syndrome, type 1. Last evaluated: 2024-12-27. Review status: criteria provided, single submitter. Criteria: Invitae Variant Classification Sherloc (09022015). Collection method: clinical testing. Allele origin: germline.
Comment: This sequence change creates a premature translational stop signal (p.Leu175Argfs*46) in the AIRE gene. It is expected to result in an absent or disrupted protein product. Loss-of-function variants in AIRE are known to be pathogenic (PMID: 11524731, 26141571). This variant is not present in population databases (gnomAD no frequency). This premature translational stop signal has been observed in individual(s) with clinical features of autoimmune polyendocrinopathy-candidiasis-ectodermal dystrophy (PMID: 27588307). This variant is also known as c.522_523ins13. ClinVar contains an entry for this variant (Variation ID: 424080). For these reasons, this variant has been classified as Pathogenic.

Blueprint Genetics
Classification: Likely pathogenic for AIRE-related disorders. Last evaluated: 2024-03-21. Review status: criteria provided, single submitter. Criteria: ACMG Guidelines, 2015. Collection method: clinical testing. Allele origin: germline. Affected: yes. Observed: 4 variant alleles.

National Institute of Allergy and Infectious Diseases - Centralized Sequencing Program, National Institutes of Health
Classification: Pathogenic for APECED. Last evaluated: 2023-09-14. Review status: criteria provided, single submitter. Criteria: ACMG Guidelines, 2015. Collection method: clinical testing. Allele origin: germline. Affected: yes.

GeneDx
Classification: Pathogenic. Last evaluated: 2018-06-05. Review status: criteria provided, single submitter. Criteria: GeneDx Variant Classification (06012015). Collection method: clinical testing. Allele origin: germline. Affected: yes.
Comment: The c.510_522dup13 variant in the AIRE gene has been reported previously, as c.522_523ins13 using alternate nomenclature, in a patient with APECED who also harbored a second pathogenic variant in the AIRE gene with unknown phase (Ferre et al., 2016). The c.510_522dup13 variant causes a frameshift starting with codon Leucine 175, changes this amino acid to an Arginine residue, and creates a premature Stop codon at position 46 of the new reading frame, denoted p.Leu175ArgfsX46. This variant is predicted to cause loss of normal protein function either through protein truncation or nonsense-mediated mRNA decay. The c.510_522dup13 variant is not observed in large population cohorts (Lek et al., 2016; 1000 Genomes Consortium et al., 2015; Exome Variant Server). We interpret c.510_522dup13 as a pathogenic variant.

Literature cited by the submitters: PubMed 11524731 (cited by Labcorp Genetics (formerly Invitae), Labcorp); PubMed 26141571 (cited by Labcorp Genetics (formerly Invitae), Labcorp); PubMed 27588307 (cited by Labcorp Genetics (formerly Invitae), Labcorp and National Institute of Allergy and Infectious Diseases - Centralized Sequencing Program, National Institutes of Health).